The following is an entry in ClinVar:

NM_000238.4(KCNH2):c.2899C>T (p.Pro967Ser)

Gene: KCNH2 (potassium voltage-gated channel subfamily H member 2; minus strand). Cytogenetic location: 7q36.1.
Variant type: single nucleotide variant.
Coding change: c.2899C>T on transcript NM_000238.4 (MANE Select); coding-DNA position 2899, C replaced by T.
Protein change: p.Pro967Ser; replaces proline 967 with serine.
Molecular consequence: missense variant.
Genome position (GRCh38, 1-based): chr7:150,947,672, G>A on the plus strand (C>T on the coding strand, the complement: KCNH2 is on the minus strand). VCF-style: chr7-150947672-G-A. GRCh37 (hg19) VCF-style: chr7-150644760-G-A.
Other names: c.1879C>T, p.Pro627Ser (NM_172057.3); short protein forms P967S, P627S.
Identifiers: ClinVar variation 923330 (VCV000923330.19), dbSNP rs1057450060, ClinGen allele CA169072464.

ClinVar aggregate classification (germline): Uncertain significance. Review status: criteria provided, multiple submitters, no conflicts (2 of 4 stars). 3 submissions from 3 submitters: Uncertain significance (3). Last evaluated 2025-10-02.

Conditions:
Cardiac arrhythmia. Also called: Cardiac rhythm disease; Arrhythmia. Identifiers: MedGen C0003811, MONDO:0007263, HP:0011675.
Long QT syndrome (LQTS). Identifiers: MedGen C0023976, MeSH D008133, MONDO:0002442. Disease mechanism: loss of function. Inheritance: Various modes of inheritance.
Cardiovascular phenotype. Identifiers: MedGen CN230736.

Allele frequency attached by ClinVar (database versions not stated): TOPMed 0.00001.

Submissions (3):

Labcorp Genetics (formerly Invitae), Labcorp
Classification: Uncertain significance for Long QT syndrome. Last evaluated: 2025-10-02. Review status: criteria provided, single submitter. Criteria: Invitae Variant Classification Sherloc (09022015). Collection method: clinical testing. Allele origin: germline.
Comment: This sequence change replaces proline, which is neutral and non-polar, with serine, which is neutral and polar, at codon 967 of the KCNH2 protein (p.Pro967Ser). This variant is not present in population databases (gnomAD no frequency). This variant has not been reported in the literature in individuals affected with KCNH2-related conditions. ClinVar contains an entry for this variant (Variation ID: 923330). An algorithm developed to predict the effect of missense changes on protein structure and function outputs the following: PolyPhen-2: "Benign". The serine amino acid residue is found in multiple mammalian species, which suggests that this missense change does not adversely affect protein function. In summary, the available evidence is currently insufficient to determine the role of this variant in disease. Therefore, it has been classified as a Variant of Uncertain Significance.

Color Diagnostics, LLC DBA Color Health
Classification: Uncertain significance for Cardiac arrhythmia. Last evaluated: 2024-03-07. Review status: criteria provided, single submitter. Criteria: ACMG Guidelines, 2015. Collection method: clinical testing. Allele origin: germline.
Comment: This missense variant replaces proline with serine at codon 967 of the KCNH2 protein. Computational prediction suggests that this variant may not impact protein structure and function (internally defined REVEL score threshold <= 0.5, PMID: 27666373). To our knowledge, functional studies have not been reported for this variant. This variant has not been reported in individuals affected with cardiovascular disorders in the literature. This variant has not been identified in the general population by the Genome Aggregation Database (gnomAD). The available evidence is insufficient to determine the role of this variant in disease conclusively. Therefore, this variant is classified as a Variant of Uncertain Significance.

Ambry Genetics
Classification: Uncertain significance for Cardiovascular phenotype. Last evaluated: 2023-02-27. Review status: criteria provided, single submitter. Criteria: Ambry Variant Classification Scheme 2023. Collection method: clinical testing. Allele origin: germline.
Comment: The p.P967S variant (also known as c.2899C>T), located in coding exon 12 of the KCNH2 gene, results from a C to T substitution at nucleotide position 2899. The proline at codon 967 is replaced by serine, an amino acid with similar properties. This amino acid position is poorly conserved in available vertebrate species. In addition, the in silico prediction for this alteration is inconclusive. Since supporting evidence is limited at this time, the clinical significance of this alteration remains unclear.